The following is an entry in ClinVar:

NM_000137.4(FAH):c.843del (p.Arg282fs)

Gene: FAH (fumarylacetoacetate hydrolase; plus strand). Cytogenetic location: 15q25.1.
Variant type: Deletion.
Coding change: c.843del on transcript NM_000137.4 (MANE Select); coding-DNA position 843, one base deleted (C; older notation c.843delC).
Protein change: p.Arg282fs; shifts the reading frame from arginine 282.
Molecular consequence: frameshift variant.
Genome position (GRCh38, 1-based): chr15:80,175,021, C deleted; the last of 4 consecutive C bases (chr15:80,175,018-80,175,021); deleting any one gives the same sequence. VCF-style (leftmost placement, unchanged base first): chr15-80175017-AC-A. GRCh37 (hg19) VCF-style: chr15-80467359-AC-A.
Other names: c.843del, p.Arg282fs (NM_001374377.1, NM_001374380.1); short protein forms R282fs.
Identifiers: ClinVar variation 2767600 (VCV002767600.3), dbSNP rs2505856831, ClinGen allele CA2629879203.
Genomic context (GRCh38, chr15:80,175,017, plus strand): 5'-CAGCCGGGTGAGCTCAGCCCACCTGCCAGTGACCTCTGTGCTGTGCTTTGCCCTCTCAGG[AC>A]CCCAGGCCCCTGCCGTATCTGTGCCATGACGAGCCCTACACATTTGACATCAACCTCTCT-3'

ClinVar aggregate classification (germline): Pathogenic (1 of 4 stars; one submission).

Conditions:
Tyrosinemia type I (TYRSN1). Also called: Tyrosinemia type 1; Fumarylacetoacetase deficiency; Deficiency of fumarylacetoacetase; FAH DEFICIENCY; HEPATORENAL TYROSINEMIA. Identifiers: Orphanet 882, MedGen C0268490, MONDO:0010161, OMIM 276700. Disease mechanism: loss of function.

Submission:

Labcorp Genetics (formerly Invitae), Labcorp
Classification: Pathogenic for Tyrosinemia type I. Last evaluated: 2024-01-09. Review status: criteria provided, single submitter. Criteria: Invitae Variant Classification Sherloc (09022015). Collection method: clinical testing. Allele origin: germline.
Comment: This sequence change creates a premature translational stop signal (p.Arg282Glyfs*22) in the FAH gene. It is expected to result in an absent or disrupted protein product. Loss-of-function variants in FAH are known to be pathogenic (PMID: 9101289, 9633815). This variant is not present in population databases (gnomAD no frequency). This variant has not been reported in the literature in individuals affected with FAH-related conditions. For these reasons, this variant has been classified as Pathogenic.

Literature cited by the submitters: PubMed 9101289; PubMed 9633815.